The following is an entry in ClinVar:

ClinVar aggregate classification (germline): Conflicting classifications of pathogenicity. Review status: criteria provided, conflicting classifications (1 of 4 stars). 4 submissions from 4 submitters: Uncertain significance (3); Likely benign (1). Last evaluated 2026-10-15.

Conditions:
Neonatal-onset encephalopathy with rigidity and seizures. Also called: Lethal neonatal spasticity-epileptic encephalopathy syndrome. Identifiers: Orphanet 435845, MedGen C3281029, MONDO:0013784, OMIM 614498.
Neurodevelopmental disorder with cerebellar atrophy and with or without seizures. Identifiers: MedGen C4748032, MONDO:0020841, OMIM 618056.

Allele frequency attached by ClinVar (database versions not stated): gnomAD exomes 0.00005 and 0.00014; ExAC 0.00021; gnomAD 0.00041 and 0.00043; ESP Exome Variant Server 0.00046; TOPMed 0.00051; 1000 Genomes Project 0.00060; 1000 Genomes Project 30x 0.00062.
gnomAD v4.1: 139 of 1,610,658 alleles (0.0086%); highest among the groups gnomAD compares: African/African-American, 0.14%; no homozygotes.

Submissions (4):

GeneDx
Classification: Uncertain significance. Last evaluated: 2026-10-15. Review status: criteria provided, single submitter. Criteria: GeneDx Variant Classification Process June 2021. Collection method: clinical testing. Allele origin: germline.
Comment: In silico analysis suggests that this missense variant does not alter protein structure/function; Has not been previously published as pathogenic or benign to our knowledge

Labcorp Genetics (formerly Invitae), Labcorp
Classification: Likely benign for Neonatal-onset encephalopathy with rigidity and seizures. Last evaluated: 2026-01-19. Review status: criteria provided, single submitter. Criteria: Invitae Variant Classification Sherloc (09022015). Collection method: clinical testing. Allele origin: germline.

CeGaT Center for Human Genetics Tuebingen
Classification: Uncertain significance. Last evaluated: 2024-09-01. Review status: criteria provided, single submitter. Criteria: CeGaT Center For Human Genetics Tuebingen Variant Classification Criteria Version 2. Collection method: clinical testing. Allele origin: germline. Affected: yes. Observed: 1 variant allele.
Comment: BRAT1: PM2

Athena Diagnostics
Classification: Uncertain significance. Last evaluated: 2018-11-19. Review status: criteria provided, single submitter. Criteria: Athena Diagnostics Criteria. Collection method: clinical testing. Allele origin: germline.

NM_152743.4(BRAT1):c.2029G>A (p.Val677Met)

Gene: BRAT1 (BRCA1 associated ATM activator 1; minus strand). Cytogenetic location: 7p22.3.
Variant type: single nucleotide variant.
Coding change: c.2029G>A on transcript NM_152743.4 (MANE Select); coding-DNA position 2029, G replaced by A.
Protein change: p.Val677Met; replaces valine 677 with methionine.
Molecular consequence: missense variant. On other transcripts: non-coding transcript variant (1).
Genome position (GRCh38, 1-based): chr7:2,538,506, C>T on the plus strand (G>A on the coding strand, the complement: BRAT1 is on the minus strand). VCF-style: chr7-2538506-C-T. GRCh37 (hg19) VCF-style: chr7-2578140-C-T.
Other names: c.2209G>A, p.Val737Met (NM_001350626.2); c.1504G>A, p.Val502Met (NM_001350627.2); short protein forms V677M, V502M, V737M.
Identifiers: ClinVar variation 540174 (VCV000540174.34), dbSNP rs141726264, ClinGen allele CA4127479.